The following is an entry in ClinVar:

NM_000202.8(IDS):c.1001A>T (p.Asp334Val)

Genes: IDS (iduronate 2-sulfatase; minus strand), LOC106050102 (IDS recombination region; plus strand). Cytogenetic location: Xq28.
Variant type: single nucleotide variant.
Coding change: c.1001A>T on transcript NM_000202.8 (MANE Select); coding-DNA position 1001, A replaced by T.
Protein change: p.Asp334Val; replaces aspartic acid 334 with valine.
Molecular consequence: missense variant. On other transcripts: non-coding transcript variant (1).
Genome position (GRCh38, 1-based): chrX:149,490,319, T>A on the plus strand (A>T on the coding strand, the complement: IDS is on the minus strand). VCF-style: chrX-149490319-T-A. GRCh37 (hg19) VCF-style: chrX-148571850-T-A.
Other names: c.731A>T, p.Asp244Val (NM_001166550.4); c.1001A>T, p.Asp334Val (NM_006123.5); short protein forms D244V, D334V.
Identifiers: ClinVar variation 3255901 (VCV003255901.2).

ClinVar aggregate classification (germline): Likely pathogenic (1 of 4 stars; one submission).

Conditions:
Mucopolysaccharidosis, MPS-II (MPS2). Also called: Hunter Syndrome; IDURONATE 2-SULFATASE DEFICIENCY; Mucopolysaccharidosis Type II; Mucopolysaccharidosis type 2; Attenuated MPS (subtype; formerly known as mild MPS II); Severe MPS II. Identifiers: Orphanet 580, Orphanet 79388, MedGen C0026705, MONDO:0010674, OMIM 309900.

Submission:

Laboratory of Diagnosis and Therapy of Lysosomal Disorders, University of Padova
Classification: Likely pathogenic for Mucopolysaccharidosis, MPS-II. Last evaluated: 2024-06-07. Review status: criteria provided, single submitter. Criteria: ACMG Guidelines, 2015. Collection method: literature only. Allele origin: germline. Affected: yes. Observed: 2 variant alleles.
Comment: Located in a mutational hot spot and/or critical functional domain (PM1_Moderate), Absent from controls (or at low frequency) in gnomAD database (PM2_Moderate), Missense change at the same amino acid residue as a pathogenic variant (PM5_Moderate), Missense variant in a gene with a low rate of benign missense variation (PP2_Supporting), Multiple lines of computational evidence support a deleterious effect (PP3_Supporting), Patient’s phenotype or family history highly specific for the disease (PP4_Moderate)

Classification method: ACMG Guidelines [PMID:25741868] with modifications

Literature cited by the submitters: PubMed 24125893; PubMed 33960103.